The following is an entry in ClinVar:

NM_000372.5(TYR):c.155G>C (p.Arg52Thr)

Gene: TYR (tyrosinase; plus strand). Cytogenetic location: 11q14.3.
Variant type: single nucleotide variant.
Coding change: c.155G>C on transcript NM_000372.5 (MANE Select); coding-DNA position 155, G replaced by C.
Protein change: p.Arg52Thr; replaces arginine 52 with threonine.
Molecular consequence: missense variant.
Genome position (GRCh38, 1-based): chr11:89,178,108, G>C. VCF-style: chr11-89178108-G-C. GRCh37 (hg19) VCF-style: chr11-88911276-G-C.
Other names: short protein forms R52T.
Identifiers: ClinVar variation 2137223 (VCV002137223.4), dbSNP rs61753182, ClinGen allele CA382033584.
Genomic context (GRCh38, chr11:89,178,108, plus strand): 5'-AGAAGGAATGCTGTCCACCGTGGAGCGGGGACAGGAGTCCCTGTGGCCAGCTTTCAGGCA[G>C]AGGTTCCTGTCAGAATATCCTTCTGTCCAATGCACCACTTGGGCCTCAATTTCCCTTCAC-3'
Protein context (NP_000363.1, residues 42-62): DRSPCGQLSG[Arg52Thr]GSCQNILLSN

ClinVar aggregate classification (germline): Uncertain significance (1 of 4 stars; one submission).

Submission:

Labcorp Genetics (formerly Invitae), Labcorp
Classification: Uncertain significance. Last evaluated: 2022-03-05. Review status: criteria provided, single submitter. Criteria: Invitae Variant Classification Sherloc (09022015). Collection method: clinical testing. Allele origin: germline.
Comment: This variant is not present in population databases (gnomAD no frequency). In summary, the available evidence is currently insufficient to determine the role of this variant in disease. Therefore, it has been classified as a Variant of Uncertain Significance. This variant has not been reported in the literature in individuals affected with TYR-related conditions. Advanced modeling of protein sequence and biophysical properties (such as structural, functional, and spatial information, amino acid conservation, physicochemical variation, residue mobility, and thermodynamic stability) performed at Invitae indicates that this missense variant is expected to disrupt TYR protein function. This sequence change replaces arginine, which is basic and polar, with threonine, which is neutral and polar, at codon 52 of the TYR protein (p.Arg52Thr).